The following is an entry in ClinVar:

NM_000159.4(GCDH):c.649_680dup (p.Arg227_Cys228insLeuTrpProIleCysLeuTer)

Gene: GCDH (glutaryl-CoA dehydrogenase; plus strand). Cytogenetic location: 19p13.13.
Variant type: Duplication.
Coding change: c.649_680dup on transcript NM_000159.4 (MANE Select); coding-DNA positions 649 to 680, 32 bases duplicated.
Protein change: p.Arg227_Cys228insLeuTrpProIleCysLeuTer.
Molecular consequence: nonsense, inframe insertion. On other transcripts: non-coding transcript variant (1).
Genome position (GRCh38, 1-based): chr19:12,896,218-12,896,249, 32 bases duplicated; duplicating any 32 consecutive bases within chr19:12,896,214-12,896,249 gives the same sequence; the c. name uses the placement nearest the transcript's 3' end. GRCh37 (hg19): chr19:13,007,032-13,007,063.
Other names: c.649_680dup, p.Arg227_Cys228insLeuTrpProIleCysLeuTer (NM_013976.5).
Identifiers: ClinVar variation 5004475 (VCV005004475.1).

ClinVar aggregate classification (germline): Pathogenic (1 of 4 stars; one submission).

Conditions:
Glutaric aciduria, type 1. Also called: Glutaric Acidemia Type 1; GA I; Glutaryl-CoA dehydrogenase deficiency; Glutaric acidemia type I; Glutaricacidemia Type 1; Glutaricaciduria, type I. Identifiers: Orphanet 25, MedGen C0268595, MONDO:0009281, OMIM 231670.

Submission:

Myriad Genetics, Inc.
Classification: Pathogenic for Glutaric aciduria, type 1. Last evaluated: 2026-02-13. Review status: criteria provided, single submitter. Criteria: Myriad Autosomal Dominant, Autosomal Recessive and X-Linked Classification Criteria (2023). Collection method: clinical testing. Allele origin: unknown.
Comment: NM_000159.2(GCDH):c.649_680dup32(C228Lfs*7) is a frameshift variant classified as pathogenic in the context of glutaric acidemia, GCDH-related. C228Lfs*7 has not been observed in cases with relevant disease. Relevant functional assessments of this variant are not available in the literature. C228Lfs*7 has not been observed in referenced population frequency databases. In summary, NM_000159.2(GCDH):c.649_680dup32(C228Lfs*7) is a frameshift variant in a gene where loss of function is a known mechanism of disease and is predicted to disrupt protein function. Please note: this variant was assessed in the context of healthy population screening.